The following is an entry in ClinVar:

ClinVar aggregate classification (germline): Uncertain significance (1 of 4 stars; one submission).

Conditions:
Familial thoracic aortic aneurysm and aortic dissection (TAAD). Also called: Thoracic aortic aneurysms and dissections. Identifiers: Orphanet 91387, MedGen C4707243, MONDO:0019625.

Submission:

Ambry Genetics
Classification: Uncertain significance for Familial thoracic aortic aneurysm and aortic dissection. Last evaluated: 2016-09-14. Review status: criteria provided, single submitter. Criteria: Ambry Variant Classification Scheme 2023. Collection method: clinical testing. Allele origin: germline.
Comment: The p.H97P variant (also known as c.290A>C), located in coding exon 2 of the MYLK gene, results from an A to C substitution at nucleotide position 290. The histidine at codon 97 is replaced by proline, an amino acid with similar properties. This variant was not reported in population-based cohorts in the following databases: Database of Single Nucleotide Polymorphisms (dbSNP), Exome Aggregation Consortium (ExAC), NHLBI Exome Sequencing Project (ESP), and 1000 Genomes Project. In the ESP, this variant was not observed in 6503 samples (13006 alleles) with coverage at this position. This amino acid position is poorly conserved in available vertebrate species. In addition, this alteration is predicted to be tolerated by in silico analysis. Since supporting evidence is limited at this time, the clinical significance of this alteration remains unclear.

NM_053025.4(MYLK):c.290A>C (p.His97Pro)

Gene: MYLK (myosin light chain kinase; minus strand). Cytogenetic location: 3q21.1.
Variant type: single nucleotide variant.
Coding change: c.290A>C on transcript NM_053025.4 (MANE Select); coding-DNA position 290, A replaced by C.
Protein change: p.His97Pro; replaces histidine 97 with proline.
Molecular consequence: missense variant. On other transcripts: intron variant (1).
Genome position (GRCh38, 1-based): chr3:123,752,414, T>G on the plus strand (A>C on the coding strand, the complement: MYLK is on the minus strand). VCF-style: chr3-123752414-T-G. GRCh37 (hg19) VCF-style: chr3-123471261-T-G.
Other names: c.290A>C, p.His97Pro (NM_053026.4, NM_053027.4, NM_053028.4); c.-155-12413A>C (NM_001321309.2); short protein forms H97P.
Identifiers: ClinVar variation 519991 (VCV000519991.5), dbSNP rs756800370, ClinGen allele CA354244381.